The following is an entry in ClinVar:

NM_003331.5(TYK2):c.317+26G>A

Gene: TYK2 (tyrosine kinase 2; minus strand). Cytogenetic location: 19p13.2.
Variant type: single nucleotide variant.
Coding change: c.317+26G>A on transcript NM_003331.5 (MANE Select); 26 bases into the intron after coding-DNA position 317, G replaced by A.
Molecular consequence: intron variant.
Genome position (GRCh38, 1-based): chr19:10,368,269, C>T on the plus strand (G>A on the coding strand, the complement: TYK2 is on the minus strand). VCF-style: chr19-10368269-C-T. GRCh37 (hg19) VCF-style: chr19-10478945-C-T.
Identifiers: ClinVar variation 675226 (VCV000675226.2), dbSNP rs6511696, ClinGen allele CA9193783.

ClinVar aggregate classification (germline): Benign. Review status: criteria provided, multiple submitters, no conflicts (2 of 4 stars). 2 submissions from 2 submitters: Benign (2). Last evaluated 2018-06-16.

Allele frequency attached by ClinVar (database versions not stated): TOPMed 0.07653; 1000 Genomes Project 30x 0.07948; gnomAD exomes 0.07977; gnomAD 0.08050; 1000 Genomes Project 0.08347; ESP Exome Variant Server 0.08442.
gnomAD v4.1: 129,263 of 1,613,988 alleles (8%); highest among the groups gnomAD compares: Middle Eastern, 14%; 5,613 homozygotes.

Submissions (2):

GeneDx
Classification: Benign. Last evaluated: 2018-06-16. Review status: criteria provided, single submitter. Criteria: GeneDx Variant Classification (06012015). Collection method: clinical testing. Allele origin: germline. Affected: yes.
Comment: This variant is considered likely benign or benign based on one or more of the following criteria: it is a conservative change, it occurs at a poorly conserved position in the protein, it is predicted to be benign by multiple in silico algorithms, and/or has population frequency not consistent with disease.

Breakthrough Genomics
Classification: Benign. Review status: criteria provided, single submitter. Criteria: ACMG Guidelines, 2015. Collection method: not provided. Allele origin: germline. Inheritance: Autosomal recessive inheritance. Affected: yes.